The following is an entry in ClinVar:

ClinVar aggregate classification (germline): Pathogenic (1 of 4 stars; one submission).

Conditions:
Arrhythmogenic right ventricular dysplasia 8 (ARVD8). Also called: Arrhythmogenic Right Ventricular Dysplasia/Cardiomyopathy 8; ARRHYTHMOGENIC RIGHT VENTRICULAR DYSPLASIA, FAMILIAL, 8; ARRHYTHMOGENIC RIGHT VENTRICULAR CARDIOMYOPATHY 8. Identifiers: MedGen C1843896, MONDO:0011831, OMIM 607450.
Arrhythmogenic cardiomyopathy with wooly hair and keratoderma. Also called: Arrhythmogenic cardiomyopathy with woolly hair and keratoderma; PALMOPLANTAR KERATODERMA WITH LEFT VENTRICULAR CARDIOMYOPATHY AND WOOLLY HAIR; Carvajal syndrome; Dilated cardiomyopathy with woolly hair and keratoderma. Identifiers: Orphanet 65282, MedGen C1854063, MONDO:0011581, OMIM 605676.

Submission:

Labcorp Genetics (formerly Invitae), Labcorp
Classification: Pathogenic for Arrhythmogenic cardiomyopathy with wooly hair and keratoderma; Arrhythmogenic right ventricular dysplasia 8. Last evaluated: 2021-11-29. Review status: criteria provided, single submitter. Criteria: Invitae Variant Classification Sherloc (09022015). Collection method: clinical testing. Allele origin: germline.
Comment: This sequence change creates a premature translational stop signal (p.Val746Tyrfs*19) in the DSP gene. It is expected to result in an absent or disrupted protein product. Loss-of-function variants in DSP are known to be pathogenic (PMID: 20716751, 24503780, 25227139). For these reasons, this variant has been classified as Pathogenic. ClinVar contains an entry for this variant (Variation ID: 837892). This variant has not been reported in the literature in individuals affected with DSP-related conditions. This variant is not present in population databases (gnomAD no frequency).

Literature cited by the submitters: PubMed 20716751; PubMed 24503780; PubMed 25227139.

NM_004415.4(DSP):c.2236del (p.Val746fs)

Gene: DSP (desmoplakin; plus strand). Cytogenetic location: 6p24.3.
Variant type: Deletion.
Coding change: c.2236del on transcript NM_004415.4 (MANE Select); coding-DNA position 2236, one base deleted (G; older notation c.2236delG).
Protein change: p.Val746fs; shifts the reading frame from valine 746.
Molecular consequence: frameshift variant.
Genome position (GRCh38, 1-based): chr6:7,574,191, G deleted. VCF-style (leftmost placement, unchanged base first): chr6-7574190-AG-A. GRCh37 (hg19) VCF-style: chr6-7574423-AG-A.
Other names: c.2236del, p.Val746fs (NM_001008844.3, NM_001319034.2); short protein forms V746fs.
Identifiers: ClinVar variation 837892 (VCV000837892.8), dbSNP rs1759155407, ClinGen allele CA916081478.